The following is an entry in ClinVar:

ClinVar aggregate classification (germline): Conflicting classifications of pathogenicity. Review status: criteria provided, conflicting classifications (1 of 4 stars). 3 submissions from 3 submitters: Uncertain significance (2); Likely benign (1). Last evaluated 2025-10-08.

Conditions:
Hereditary cancer-predisposing syndrome. Also called: Neoplastic Syndromes, Hereditary; Tumor predisposition; Hereditary neoplastic syndrome; Hereditary Cancer Syndrome. Identifiers: Orphanet 140162, MedGen C0027672, MeSH D009386, MONDO:0015356.

Submissions (3):

Quest Diagnostics Nichols Institute San Juan Capistrano
Classification: Uncertain significance. Last evaluated: 2025-10-08. Review status: criteria provided, single submitter. Criteria: Quest Diagnostics criteria. Collection method: clinical testing. Allele origin: unknown.
Comment: The MSH3 c.2543+4del variant has not been reported in individuals with MSH3-related conditions in the published literature. The frequency of this variant in the general population (Genome Aggregation Database) is uninformative in the assessment of its pathogenicity. Analysis of this variant using software algorithms for the prediction of the effect of nucleotide changes on splicing yielded predictions that this variant may affect proper MSH3 mRNA splicing. Based on the available information, we are unable to determine the clinical significance of this variant.

Labcorp Genetics (formerly Invitae), Labcorp
Classification: Likely benign. Last evaluated: 2025-09-25. Review status: criteria provided, single submitter. Criteria: Invitae Variant Classification Sherloc (09022015). Collection method: clinical testing. Allele origin: germline.

Ambry Genetics
Classification: Uncertain significance for Hereditary cancer-predisposing syndrome. Last evaluated: 2024-03-11. Review status: criteria provided, single submitter. Criteria: Ambry Variant Classification Scheme 2023. Collection method: clinical testing. Allele origin: germline.
Comment: The c.2543+4delA intronic variant, located in intron 18 of the MSH3 gene, results from a deletion of one nucleotide within intron 18 of the MSH3 gene. This nucleotide position is highly conserved in available vertebrate species. In silico splice site analysis for this alteration is inconclusive. Since supporting evidence is limited at this time, the clinical significance of this alteration remains unclear.

NM_002439.5(MSH3):c.2543+4del

Gene: MSH3 (mutS homolog 3; plus strand). Cytogenetic location: 5q14.1.
Variant type: Deletion.
Coding change: c.2543+4del on transcript NM_002439.5 (MANE Select); 4 bases into the intron after coding-DNA position 2543, one base deleted (A; older notation c.2543+4delA).
Molecular consequence: intron variant.
Genome position (GRCh38, 1-based): chr5:80,787,676, A deleted; the last of 2 consecutive A bases (chr5:80,787,675-80,787,676); deleting either gives the same sequence. VCF-style (leftmost placement, unchanged base first): chr5-80787674-TA-T. GRCh37 (hg19) VCF-style: chr5-80083493-TA-T.
Other names: c.2543+4delA (NM_002439.4).
Identifiers: ClinVar variation 662066 (VCV000662066.12), dbSNP rs1298988264, ClinGen allele CA560568762.